The following is an entry in ClinVar:

NM_018993.4(RIN2):c.680A>G (p.His227Arg)

Gene: RIN2 (Ras and Rab interactor 2; plus strand). Cytogenetic location: 20p11.23.
Variant type: single nucleotide variant.
Coding change: c.680A>G on transcript NM_018993.4 (MANE Select); coding-DNA position 680, A replaced by G.
Protein change: p.His227Arg; replaces histidine 227 with arginine.
Molecular consequence: missense variant.
Genome position (GRCh38, 1-based): chr20:19,974,705, A>G. VCF-style: chr20-19974705-A-G. GRCh37 (hg19) VCF-style: chr20-19955349-A-G.
Other names: c.827A>G, p.His276Arg (NM_001242581.2); c.62A>G, p.His21Arg (NM_001378238.1); short protein forms H21R, H227R, H276R.
Identifiers: ClinVar variation 1800597 (VCV001800597.1), dbSNP rs376707717, ClinGen allele CA312415572.
Genomic context (GRCh38, chr20:19,974,705, plus strand): 5'-GACTTTCAGATTTCTGGAGCTCCCCAGCTGACAGCAAACCCCCGAACCTTCCACCTCCCC[A>G]TAGGCCTCTTTCCTCCGACGGTGTCTGTCCTGCCTCCCTGCGTCAGCTCTGCCTTATAAA-3'
Protein context (NP_061866.1, residues 217-237): DSKPPNLPPP[His227Arg]RPLSSDGVCP

ClinVar aggregate classification (germline): Uncertain significance (1 of 4 stars; one submission).

Allele frequency attached by ClinVar (database versions not stated): TOPMed 0.00001; ESP Exome Variant Server 0.00008.
gnomAD v4.1: 6 of 1,613,814 alleles (0.00037%); highest among the groups gnomAD compares: Non-Finnish European, 0.00051%; no homozygotes.

Submission:

GeneDx
Classification: Uncertain significance. Last evaluated: 2022-05-18. Review status: criteria provided, single submitter. Criteria: GeneDx Variant Classification Process June 2021. Collection method: clinical testing. Allele origin: germline. Affected: yes.
Comment: Not observed at significant frequency in large population cohorts (gnomAD); In silico analysis supports that this missense variant does not alter protein structure/function; Has not been previously published as pathogenic or benign to our knowledge